The following is an entry in ClinVar:

ClinVar aggregate classification (germline): Uncertain significance (1 of 4 stars; one submission).

Allele frequency attached by ClinVar (database versions not stated): gnomAD 0.00001; ExAC 0.00002; TOPMed 0.00002.
gnomAD v4.1: 42 of 1,553,878 alleles (0.0027%); highest among the groups gnomAD compares: Non-Finnish European, 0.0035%; no homozygotes.

Submission:

Labcorp Genetics (formerly Invitae), Labcorp
Classification: Uncertain significance. Last evaluated: 2022-07-26. Review status: criteria provided, single submitter. Criteria: Invitae Variant Classification Sherloc (09022015). Collection method: clinical testing. Allele origin: germline.
Comment: In summary, the available evidence is currently insufficient to determine the role of this variant in disease. Therefore, it has been classified as a Variant of Uncertain Significance. Algorithms developed to predict the effect of missense changes on protein structure and function are either unavailable or do not agree on the potential impact of this missense change (SIFT: "Tolerated"; PolyPhen-2: "Possibly Damaging"; Align-GVGD: "Class C0"). This variant has not been reported in the literature in individuals affected with ANGPTL3-related conditions. This variant is present in population databases (rs772744707, gnomAD 0.005%). This sequence change replaces leucine, which is neutral and non-polar, with phenylalanine, which is neutral and non-polar, at codon 118 of the ANGPTL3 protein (p.Leu118Phe).

NM_014495.4(ANGPTL3):c.352C>T (p.Leu118Phe)

Genes: ANGPTL3 (angiopoietin like 3; plus strand), DOCK7 (dedicator of cytokinesis 7; minus strand). Cytogenetic location: 1p31.3.
Variant type: single nucleotide variant.
Coding change: c.352C>T on transcript NM_014495.4 (MANE Select); coding-DNA position 352, C replaced by T.
Protein change: p.Leu118Phe; replaces leucine 118 with phenylalanine.
Molecular consequence: missense variant. On other transcripts: intron variant (7).
Genome position (GRCh38, 1-based): chr1:62,597,918, C>T. VCF-style: chr1-62597918-C-T. GRCh37 (hg19) VCF-style: chr1-63063589-C-T.
Other names: c.1683-11294G>A (NM_001272001.2, NM_001272000.2, NM_033407.4 and 4 more transcripts); short protein forms L118F.
Identifiers: ClinVar variation 2138040 (VCV002138040.4), dbSNP rs772744707, ClinGen allele CA886563.